The following is an entry in ClinVar:

NM_001267550.2(TTN):c.82065T>G (p.Gly27355=)

Genes: TTN (titin; minus strand), TTN-AS1 (TTN antisense RNA 1; plus strand). Cytogenetic location: 2q31.2.
Variant type: single nucleotide variant.
Coding change: c.82065T>G on transcript NM_001267550.2 (MANE Select); coding-DNA position 82065, T replaced by G.
Protein change: p.Gly27355=; no amino-acid change (glycine 27355 retained).
Molecular consequence: synonymous variant.
Genome position (GRCh38, 1-based): chr2:178,564,067, A>C on the plus strand (T>G on the coding strand, the complement: TTN is on the minus strand). VCF-style: chr2-178564067-A-C. GRCh37 (hg19) VCF-style: chr2-179428794-A-C.
Other names: c.77142T>G, p.Gly25714= (NM_001256850.1); c.54870T>G, p.Gly18290= (NM_003319.4); c.74361T>G, p.Gly24787= (NM_133378.4); c.55245T>G, p.Gly18415= (NM_133432.3); c.55446T>G, p.Gly18482= (NM_133437.4).
Identifiers: ClinVar variation 510696 (VCV000510696.6), dbSNP rs1457152868, ClinGen allele CA430250755.
Genomic context (GRCh38, chr2:178,564,067, plus strand): 5'-CCCTTCAGGAGGCCCTGGCCTGTCAAGTACCTTTACAGTGATGGGTATAGACTTTGTACC[A>C]CCAACATTGCTGAGTTTCAGAATATATTGTCCTCCATCAGTCCGTATACAGTCTTTGACA-3'
Protein context (NP_001254479.2, residues 27345-27365): GQYILKLSNV[Gly27355=]GTKSIPITVK

ClinVar aggregate classification (germline): Likely benign. Review status: criteria provided, multiple submitters, no conflicts (2 of 4 stars). 2 submissions from 2 submitters: Likely benign (2). Last evaluated 2022-09-01.

Conditions:
Dilated cardiomyopathy 1G (CMD1G). Identifiers: Orphanet 154, MedGen C1858763, MONDO:0011400, OMIM 604145.
Autosomal recessive limb-girdle muscular dystrophy type 2J (LGMDR10). Also called: Limb-girdle muscular dystrophy, type 2J; MUSCULAR DYSTROPHY, LIMB-GIRDLE, AUTOSOMAL RECESSIVE 10. Identifiers: Orphanet 140922, MedGen C1837342, MONDO:0012127, OMIM 608807.

Allele frequency attached by ClinVar (database versions not stated): gnomAD exomes below 0.00001; TOPMed below 0.00001.
gnomAD v4.1: 1 of 1,613,760 alleles (0.000062%); highest among the groups gnomAD compares: Non-Finnish European, 0.000085%; no homozygotes.

Submissions (2):

Labcorp Genetics (formerly Invitae), Labcorp
Classification: Likely benign for Dilated cardiomyopathy 1G; Autosomal recessive limb-girdle muscular dystrophy type 2J. Last evaluated: 2022-09-01. Review status: criteria provided, single submitter. Criteria: Invitae Variant Classification Sherloc (09022015). Collection method: clinical testing. Allele origin: germline.

GeneDx
Classification: Likely benign. Last evaluated: 2017-07-05. Review status: criteria provided, single submitter. Criteria: GeneDx Variant Classification (06012015). Collection method: clinical testing. Allele origin: germline. Affected: yes.
Comment: This variant is considered likely benign or benign based on one or more of the following criteria: it is a conservative change, it occurs at a poorly conserved position in the protein, it is predicted to be benign by multiple in silico algorithms, and/or has population frequency not consistent with disease.